The following is an entry in ClinVar:

ClinVar aggregate classification (germline): Uncertain significance. Review status: criteria provided, multiple submitters, no conflicts (2 of 4 stars). 2 submissions from 2 submitters: Uncertain significance (2). Last evaluated 2025-10-26.

Allele frequency attached by ClinVar (database versions not stated): TOPMed below 0.00001.
gnomAD v4.1: 3 of 1,611,824 alleles (0.00019%); highest among the groups gnomAD compares: Non-Finnish European, 0.00017%; no homozygotes.

Submissions (2):

Labcorp Genetics (formerly Invitae), Labcorp
Classification: Uncertain significance. Last evaluated: 2025-10-26. Review status: criteria provided, single submitter. Criteria: Invitae Variant Classification Sherloc (09022015). Collection method: clinical testing. Allele origin: germline.
Comment: This sequence change replaces glutamic acid, which is acidic and polar, with aspartic acid, which is acidic and polar, at codon 389 of the TAOK2 protein (p.Glu389Asp). This variant is not present in population databases (gnomAD no frequency). This variant has not been reported in the literature in individuals affected with TAOK2-related conditions. ClinVar contains an entry for this variant (Variation ID: 2069325). An algorithm developed to predict the effect of missense changes on protein structure and function (PolyPhen-2) suggests that this variant is likely to be disruptive. In summary, the available evidence is currently insufficient to determine the role of this variant in disease. Therefore, it has been classified as a Variant of Uncertain Significance.

Ambry Genetics
Classification: Uncertain significance. Last evaluated: 2025-08-09. Review status: criteria provided, single submitter. Criteria: Ambry Variant Classification Scheme 2023. Collection method: clinical testing. Allele origin: germline.

NM_016151.4(TAOK2):c.1167G>C (p.Glu389Asp)

Gene: TAOK2 (TAO kinase 2; plus strand). Cytogenetic location: 16p11.2.
Variant type: single nucleotide variant.
Coding change: c.1167G>C on transcript NM_016151.4 (MANE Select); coding-DNA position 1167, G replaced by C.
Protein change: p.Glu389Asp; replaces glutamic acid 389 with aspartic acid.
Molecular consequence: missense variant.
Genome position (GRCh38, 1-based): chr16:29,983,239, G>C. VCF-style: chr16-29983239-G-C. GRCh37 (hg19) VCF-style: chr16-29994560-G-C.
Other names: c.1167G>C, p.Glu389Asp (NM_001252043.2, NM_004783.4); c.1167G>C (NM_016151.2); short protein forms E389D.
Identifiers: ClinVar variation 2069325 (VCV002069325.5), dbSNP rs1217237664, ClinGen allele CA395480592.
Genomic context (GRCh38, chr16:29,983,239, plus strand): 5'-CAGCCTAGCAGATGCCTCAGACAACGAGGAAGAGGAGGAGGAGGAGGAGGAAGAGGAGGA[G>C]GAGGAAGAAGGCCCTGAAGCCCGGGAGATGGCCATGATGCAGGAGGGGGAGCACACAGTC-3'
Protein context (NP_057235.2, residues 379-399): EEEEEEEEEE[Glu389Asp]EEEGPEAREM